The following is an entry in ClinVar:

ClinVar aggregate classification (germline): Uncertain significance (1 of 4 stars; one submission).

Conditions:
Brachyolmia-amelogenesis imperfecta syndrome. Also called: PLATYSPONDYLY WITH AMELOGENESIS IMPERFECTA; Tooth agenesis, selective, 6; Dental anomalies and short stature. Identifiers: Orphanet 2899, MedGen C1832594, MONDO:0011018, OMIM 601216. Disease mechanism: loss of function.

Allele frequency attached by ClinVar (database versions not stated): gnomAD exomes below 0.00001; TOPMed 0.00001; gnomAD 0.00002.
gnomAD v4.1: 9 of 1,597,544 alleles (0.00056%); highest among the groups gnomAD compares: Non-Finnish European, 0.00077%; no homozygotes.

Submission:

Labcorp Genetics (formerly Invitae), Labcorp
Classification: Uncertain significance for Brachyolmia-amelogenesis imperfecta syndrome. Last evaluated: 2025-12-16. Review status: criteria provided, single submitter. Criteria: Invitae Variant Classification Sherloc (09022015). Collection method: clinical testing. Allele origin: germline.
Comment: This sequence change replaces glycine, which is neutral and non-polar, with aspartic acid, which is acidic and polar, at codon 949 of the LTBP3 protein (p.Gly949Asp). The frequency data for this variant in the population databases is considered unreliable, as metrics indicate poor data quality at this position in the gnomAD database. This variant has not been reported in the literature in individuals affected with LTBP3-related conditions. ClinVar contains an entry for this variant (Variation ID: 2758917). An algorithm developed to predict the effect of missense changes on protein structure and function (PolyPhen-2) suggests that this variant is likely to be disruptive. In summary, the available evidence is currently insufficient to determine the role of this variant in disease. Therefore, it has been classified as a Variant of Uncertain Significance.

NM_001130144.3(LTBP3):c.2846G>A (p.Gly949Asp)

Genes: LTBP3 (latent transforming growth factor beta binding protein 3; minus strand), LOC130006028 (ATAC-STARR-seq lymphoblastoid active region 4987; plus strand). Cytogenetic location: 11q13.1.
Variant type: single nucleotide variant.
Coding change: c.2846G>A on transcript NM_001130144.3 (MANE Select); coding-DNA position 2846, G replaced by A.
Protein change: p.Gly949Asp; replaces glycine 949 with aspartic acid.
Molecular consequence: missense variant.
Genome position (GRCh38, 1-based): chr11:65,541,173, C>T on the plus strand (G>A on the coding strand, the complement: LTBP3 is on the minus strand). VCF-style: chr11-65541173-C-T. GRCh37 (hg19) VCF-style: chr11-65308644-C-T.
Other names: c.2495G>A, p.Gly832Asp (NM_001164266.1); c.2846G>A, p.Gly949Asp (NM_021070.4); short protein forms G832D, G949D.
Identifiers: ClinVar variation 2758917 (VCV002758917.3), dbSNP rs1246540904, ClinGen allele CA381268266.